The following is an entry in ClinVar:

NM_000545.8(HNF1A):c.1309+247G>A

Gene: HNF1A (HNF1 homeobox A; plus strand). Cytogenetic location: 12q24.31.
Variant type: single nucleotide variant.
Coding change: c.1309+247G>A on transcript NM_000545.8 (MANE Select); 247 bases into the intron after coding-DNA position 1309, G replaced by A.
Molecular consequence: intron variant.
Genome position (GRCh38, 1-based): chr12:120,996,989, G>A. VCF-style: chr12-120996989-G-A. GRCh37 (hg19) VCF-style: chr12-121434792-G-A.
Other names: c.1309+247G>A (NM_001306179.2).
Identifiers: ClinVar variation 135503 (VCV000135503.2), dbSNP rs587777934, ClinGen allele CA162958.
Genomic context (GRCh38, chr12:120,996,989, plus strand): 5'-TCAGCAACTCAAGCAGGGAGGCAGGCACTAAGCATAATACATCAATTCTGTGGTACCTCA[G>A]AAGGTGAAGGGTCTATGGGCAAATTACAGCAGGGTAAGGGGGACTGATGTTTTCTAAGTT-3'

ClinVar aggregate classification (germline): Benign. Review status: criteria provided, single submitter (1 of 4 stars). 2 submissions from 2 submitters: Benign (1). 1 of the submissions does not count toward it.

Conditions:
Maturity-onset diabetes of the young (MODY). Also called: Maturity onset diabetes mellitus in young. Identifiers: Orphanet 552, MedGen C0342276, MONDO:0018911, HP:0004904.

Allele frequency attached by ClinVar (database versions not stated): gnomAD exomes 0.00001 and 0.00002; gnomAD 0.00006 and 0.00008; TOPMed 0.00008.
gnomAD v4.1: 25 of 1,513,012 alleles (0.0017%); highest among the groups gnomAD compares: African/African-American, 0.028%; no homozygotes.

Submissions (2):

Clinical Genomics, Uppaluri K&H Personalized Medicine Clinic
Classification: Benign for Maturity-onset diabetes of the young. Review status: criteria provided, single submitter. Criteria: K & H Uppaluri Personalized Medicine Clinic Variant Classification & Assertion Criteria_Updated V.1. Collection method: research. Allele origin: unknown. Inheritance: Autosomal dominant inheritance.
Comment: Mutations in HNF1A gene can predispose to MODY3. It is associated with both micro and macrovascular complications of diabetes, especially cardiovascular complications. Associated with glucosuria. May respond well to sulfonylureas. However, more evidence is required to confer the association of this particular variant rs587777934 with MODY3.

ITMI
No classification provided. Condition: AllHighlyPenetrant. Last evaluated: 2013-09-19. Review status: no classification provided. Collection method: reference population. Allele origin: germline. Not counted in ClinVar's aggregate classification.
Comment: Please see associated publication for description of ethnicities

Literature cited by the submitters: PubMed 31517624 (cited by Clinical Genomics, Uppaluri K&H Personalized Medicine Clinic); PubMed 32395877 (cited by Clinical Genomics, Uppaluri K&H Personalized Medicine Clinic); PubMed 35328643 (cited by Clinical Genomics, Uppaluri K&H Personalized Medicine Clinic); PubMed 35673428 (cited by Clinical Genomics, Uppaluri K&H Personalized Medicine Clinic); PubMed 24728327 (cited by ITMI).